The following is an entry in ClinVar:

ClinVar aggregate classification (germline): Uncertain significance (1 of 4 stars; one submission).

Conditions:
Bifunctional peroxisomal enzyme deficiency (DBIF). Also called: D-bifunctional protein deficiency; DBP DEFICIENCY; PBFE DEFICIENCY. Identifiers: Orphanet 300, MedGen C0342870, MONDO:0009855, OMIM 261515. Disease mechanism: loss of function.
Perrault syndrome. Also called: Gonadal dysgenesis with auditory dysfunction, autosomal recessive inheritance. Identifiers: Orphanet 2855, MedGen C0685838, MONDO:0017312.

Allele frequency attached by ClinVar (database versions not stated): gnomAD exomes below 0.00001.
gnomAD v4.1: 1 of 1,613,716 alleles (0.000062%); highest among the groups gnomAD compares: Non-Finnish European, 0.000085%; no homozygotes.

Submission:

Labcorp Genetics (formerly Invitae), Labcorp
Classification: Uncertain significance for Perrault syndrome; Bifunctional peroxisomal enzyme deficiency. Last evaluated: 2023-12-18. Review status: criteria provided, single submitter. Criteria: Invitae Variant Classification Sherloc (09022015). Collection method: clinical testing. Allele origin: germline.
Comment: This sequence change replaces tyrosine, which is neutral and polar, with cysteine, which is neutral and slightly polar, at codon 164 of the HSD17B4 protein (p.Tyr164Cys). This variant is not present in population databases (gnomAD no frequency). This variant has not been reported in the literature in individuals affected with HSD17B4-related conditions. ClinVar contains an entry for this variant (Variation ID: 1713648). Advanced modeling of protein sequence and biophysical properties (such as structural, functional, and spatial information, amino acid conservation, physicochemical variation, residue mobility, and thermodynamic stability) performed at Invitae indicates that this missense variant is expected to disrupt HSD17B4 protein function with a positive predictive value of 95%. In summary, the available evidence is currently insufficient to determine the role of this variant in disease. Therefore, it has been classified as a Variant of Uncertain Significance.

NM_000414.4(HSD17B4):c.491A>G (p.Tyr164Cys)

Gene: HSD17B4 (hydroxysteroid 17-beta dehydrogenase 4; plus strand). Cytogenetic location: 5q23.1.
Variant type: single nucleotide variant.
Coding change: c.491A>G on transcript NM_000414.4 (MANE Select); coding-DNA position 491, A replaced by G.
Protein change: p.Tyr164Cys; replaces tyrosine 164 with cysteine.
Molecular consequence: missense variant. On other transcripts: non-coding transcript variant (2).
Genome position (GRCh38, 1-based): chr5:119,478,890, A>G. VCF-style: chr5-119478890-A-G. GRCh37 (hg19) VCF-style: chr5-118814585-A-G.
Other names: c.566A>G, p.Tyr189Cys (NM_001199291.3); c.437A>G, p.Tyr146Cys (NM_001199292.2); c.419A>G, p.Tyr140Cys (NM_001292027.2); c.71A>G, p.Tyr24Cys (NM_001292028.2); c.482A>G, p.Tyr161Cys (NM_001374497.1); c.491A>G, p.Tyr164Cys (NM_001374498.1); c.164A>G, p.Tyr55Cys (NM_001374499.1); c.50A>G, p.Tyr17Cys (NM_001374500.1); and 1 more; short protein forms Y140C, Y146C, Y161C, Y164C, Y17C, Y189C, Y24C, Y27C.
Identifiers: ClinVar variation 1713648 (VCV001713648.5), dbSNP rs1258550930, ClinGen allele CA360866180.